The following is an entry in ClinVar:

NM_001393530.1(MATN4):c.*4C>T

Gene: MATN4 (matrilin 4; minus strand). Cytogenetic location: 20q13.12.
Variant type: single nucleotide variant.
Coding change: c.*4C>T on transcript NM_001393530.1 (MANE Select); 4 bases downstream of the stop codon, C replaced by T.
Molecular consequence: 3 prime UTR variant.
Genome position (GRCh38, 1-based): chr20:45,293,763, G>A on the plus strand (C>T on the coding strand, the complement: MATN4 is on the minus strand). VCF-style: chr20-45293763-G-A. GRCh37 (hg19) VCF-style: chr20-43922403-G-A.
Other names: c.*104C>T (NM_001393531.1); c.*4C>T (NM_003833.5, NM_030590.4, NM_030592.4).
Identifiers: ClinVar variation 3059206 (VCV003059206.2), dbSNP rs2233107, ClinGen allele CA9875818.
Genomic context (GRCh38, chr20:45,293,763, plus strand): 5'-TGGCGCGCAAGGGGCACCGTCCGTGGTGCCGCGCCCCAGCCCGGGTCTGGGCCGTCCGTG[G>A]CCCTCACTTCTGGTTGGCCAGCTGGTTCTCCAGATCCTCCAGGCGCGCCGTCAGCTGGGC-3'

ClinVar aggregate classification (germline): Benign (0 of 4 stars; one submission).

Conditions:
MATN4-related disorder. Also called: MATN4-related condition.

Allele frequency attached by ClinVar (database versions not stated): ESP Exome Variant Server 0.06291; TOPMed 0.08800; 1000 Genomes Project 0.09685; 1000 Genomes Project 30x 0.10275.

Submission:

PreventionGenetics, part of Exact Sciences
Classification: Benign for MATN4-related condition. Last evaluated: 2019-10-28. Review status: no assertion criteria provided. Collection method: clinical testing. Allele origin: germline.
Comment: This variant is classified as benign based on ACMG/AMP sequence variant interpretation guidelines (Richards et al. 2015 PMID: 25741868, with internal and published modifications).